The following is an entry in ClinVar:

ClinVar aggregate classification (germline): Uncertain significance (1 of 4 stars; one submission).

Submission:

Labcorp Genetics (formerly Invitae), Labcorp
Classification: Uncertain significance. Last evaluated: 2022-03-26. Review status: criteria provided, single submitter. Criteria: Invitae Variant Classification Sherloc (09022015). Collection method: clinical testing. Allele origin: germline.
Comment: This sequence change replaces methionine, which is neutral and non-polar, with leucine, which is neutral and non-polar, at codon 400 of the ADAMTSL4 protein (p.Met400Leu). This variant is not present in population databases (gnomAD no frequency). This variant has not been reported in the literature in individuals affected with ADAMTSL4-related conditions. Algorithms developed to predict the effect of missense changes on protein structure and function are either unavailable or do not agree on the potential impact of this missense change (SIFT: "Deleterious"; PolyPhen-2: "Benign"; Align-GVGD: "Class C0"). In summary, the available evidence is currently insufficient to determine the role of this variant in disease. Therefore, it has been classified as a Variant of Uncertain Significance.

NM_019032.6(ADAMTSL4):c.1198A>C (p.Met400Leu)

Genes: ADAMTSL4 (ADAMTS like 4; plus strand), ADAMTSL4-AS2 (ADAMTSL4 antisense RNA 2; minus strand). Cytogenetic location: 1q21.2.
Variant type: single nucleotide variant.
Coding change: c.1198A>C on transcript NM_019032.6 (MANE Select); coding-DNA position 1198, A replaced by C.
Protein change: p.Met400Leu; replaces methionine 400 with leucine.
Molecular consequence: missense variant.
Genome position (GRCh38, 1-based): chr1:150,554,431, A>C. VCF-style: chr1-150554431-A-C. GRCh37 (hg19) VCF-style: chr1-150526907-A-C.
Other names: c.1198A>C, p.Met400Leu (NM_001288607.2, NM_001288608.2, NM_001378596.1 and 1 more transcripts); short protein forms M400L.
Identifiers: ClinVar variation 2050732 (VCV002050732.1), dbSNP rs2526632210, ClinGen allele CA342304825.